The following is an entry in ClinVar:

NM_001363711.2(DUOX2):c.3799C>T (p.Arg1267Trp)

Gene: DUOX2 (dual oxidase 2; minus strand). Cytogenetic location: 15q21.1.
Variant type: single nucleotide variant.
Coding change: c.3799C>T on transcript NM_001363711.2 (MANE Select); coding-DNA position 3799, C replaced by T.
Protein change: p.Arg1267Trp; replaces arginine 1267 with tryptophan.
Molecular consequence: missense variant.
Genome position (GRCh38, 1-based): chr15:45,097,286, G>A on the plus strand (C>T on the coding strand, the complement: DUOX2 is on the minus strand). VCF-style: chr15-45097286-G-A. GRCh37 (hg19) VCF-style: chr15-45389484-G-A.
Other names: c.3799C>T, p.Arg1267Trp (NM_014080.5); short protein forms R1267W.
Identifiers: ClinVar variation 3721711 (VCV003721711.2).

ClinVar aggregate classification (germline): Uncertain significance (1 of 4 stars; one submission).

gnomAD v4.1: 39 of 1,614,130 alleles (0.0024%); highest among the groups gnomAD compares: African/African-American, 0.012%; no homozygotes.

Submission:

Labcorp Genetics (formerly Invitae), Labcorp
Classification: Uncertain significance. Last evaluated: 2024-12-23. Review status: criteria provided, single submitter. Criteria: Invitae Variant Classification Sherloc (09022015). Collection method: clinical testing. Allele origin: germline.
Comment: This sequence change replaces arginine, which is basic and polar, with tryptophan, which is neutral and slightly polar, at codon 1267 of the DUOX2 protein (p.Arg1267Trp). This variant is present in population databases (rs752437461, gnomAD 0.004%). This missense change has been observed in individual(s) with congenital hypothyroidism (PMID: 24735383). Invitae Evidence Modeling of protein sequence and biophysical properties (such as structural, functional, and spatial information, amino acid conservation, physicochemical variation, residue mobility, and thermodynamic stability) indicates that this missense variant is expected to disrupt DUOX2 protein function with a positive predictive value of 80%. In summary, the available evidence is currently insufficient to determine the role of this variant in disease. Therefore, it has been classified as a Variant of Uncertain Significance.

Literature cited by the submitters: PubMed 24735383.